The following is an entry in ClinVar:

ClinVar aggregate classification (germline): Uncertain significance. Review status: criteria provided, multiple submitters, no conflicts (2 of 4 stars). 2 submissions from 2 submitters: Uncertain significance (2). Last evaluated 2022-07-24.

Conditions:
Inborn genetic diseases. Identifiers: MedGen C0950123, MeSH D030342.

Allele frequency attached by ClinVar (database versions not stated): ExAC 0.00001; gnomAD exomes 0.00001.
gnomAD v4.1: 9 of 1,613,648 alleles (0.00056%); highest among the groups gnomAD compares: African/African-American, 0.0027%; no homozygotes.

Submissions (2):

Ambry Genetics
Classification: Uncertain significance for Inborn genetic diseases. Last evaluated: 2022-07-24. Review status: criteria provided, single submitter. Criteria: Ambry Variant Classification Scheme 2023. Collection method: clinical testing. Allele origin: germline.
Comment: The c.1941-6C>T intronic alteration consists of a C to T substitution 6 nucleotides before coding exon 18 in the CC2D1A gene. Based on insufficient or conflicting evidence, the clinical significance of this alteration remains unclear.

Genetic Services Laboratory, University of Chicago
Classification: Uncertain significance. Last evaluated: 2015-01-30. Review status: criteria provided, single submitter. Criteria: ACMG Guidelines, 2015. Collection method: clinical testing. Allele origin: germline.

NM_017721.5(CC2D1A):c.1941-6C>T

Gene: CC2D1A (coiled-coil and C2 domain containing 1A; plus strand). Cytogenetic location: 19p13.12.
Variant type: single nucleotide variant.
Coding change: c.1941-6C>T on transcript NM_017721.5 (MANE Select); 6 bases into the intron before coding-DNA position 1941, C replaced by T.
Molecular consequence: intron variant.
Genome position (GRCh38, 1-based): chr19:13,926,511, C>T. VCF-style: chr19-13926511-C-T. GRCh37 (hg19) VCF-style: chr19-14037324-C-T.
Identifiers: ClinVar variation 210596 (VCV000210596.8), dbSNP rs773170502, ClinGen allele CA208468.